The following is an entry in ClinVar:

NM_000179.3(MSH6):c.3801+6T>C

Gene: MSH6 (mutS homolog 6; plus strand). Cytogenetic location: 2p16.3.
Variant type: single nucleotide variant.
Coding change: c.3801+6T>C on transcript NM_000179.3 (MANE Select); 6 bases into the intron after coding-DNA position 3801, T replaced by C.
Molecular consequence: intron variant.
Genome position (GRCh38, 1-based): chr2:47,806,364, T>C. VCF-style: chr2-47806364-T-C. GRCh37 (hg19) VCF-style: chr2-48033503-T-C.
Other names: c.2895+6T>C (NM_001281493.2, NM_001281494.2); c.3411+6T>C (NM_001281492.2).
Identifiers: ClinVar variation 410478 (VCV000410478.26), dbSNP rs749922503, ClinGen allele CA072089.
Genomic context (GRCh38, chr2:47,806,364, plus strand): 5'-CCATTCATTAGTAGAAGATTATTCTCAAAATGTTGCTGTGCGCCTAGGACATATGGTATG[T>C]GCAAATTGTTTTTTTCCACAAATTCGGTTTTTTGAGAGGGCACTTCTCTTGCTAGCACAT-3'

ClinVar aggregate classification (germline): Conflicting classifications of pathogenicity. Review status: criteria provided, conflicting classifications (1 of 4 stars). 6 submissions from 6 submitters: Uncertain significance (3); Benign (1); Likely benign (2). Last evaluated 2026-02-16.

Conditions:
Hereditary cancer-predisposing syndrome. Also called: Tumor predisposition; Hereditary neoplastic syndrome; Neoplastic Syndromes, Hereditary; Hereditary Cancer Syndrome. Identifiers: Orphanet 140162, MedGen C0027672, MeSH D009386, MONDO:0015356.
Hereditary nonpolyposis colorectal neoplasms. Identifiers: MedGen C0009405, MeSH D003123.
Lynch syndrome. Identifiers: Orphanet 144, MedGen C4552100, MONDO:0005835. Disease mechanism: loss of function.

Allele frequency attached by ClinVar (database versions not stated): gnomAD exomes below 0.00001; ExAC 0.00001; gnomAD 0.00001.
gnomAD v4.1: 6 of 1,614,012 alleles (0.00037%); highest among the groups gnomAD compares: Non-Finnish European, 0.00051%; no homozygotes.

Submissions (7):

Women's Health and Genetics/Laboratory Corporation of America, LabCorp
Classification: Uncertain significance. Last evaluated: 2026-02-16. Review status: criteria provided, single submitter. Criteria: LabCorp Variant Classification Summary - May 2015. Collection method: clinical testing. Allele origin: germline.
Comment: Variant summary: MSH6 c.3801+6T>C alters a nucleotide located close to a canonical splice site and therefore could affect mRNA splicing, leading to a significantly altered protein sequence. Consensus agreement among computation tools predict no significant impact on normal splicing. However, these predictions have yet to be confirmed by functional studies. The variant allele was found at a frequency of 4e-06 in 251168 control chromosomes. The available data on variant occurrences in the general population are insufficient to allow any conclusion about variant significance. To our knowledge, no occurrence of c.3801+6T>C in individuals affected with MSH6-related conditions and no experimental evidence demonstrating its impact on protein function have been reported. ClinVar contains an entry for this variant (Variation ID: 410478). Based on the evidence outlined above, the variant was classified as uncertain significance.

Labcorp Genetics (formerly Invitae), Labcorp
Classification: Likely benign for Hereditary nonpolyposis colorectal neoplasms. Last evaluated: 2026-01-13. Review status: criteria provided, single submitter. Criteria: Invitae Variant Classification Sherloc (09022015). Collection method: clinical testing. Allele origin: germline.

Center for Genomic Medicine, Rigshospitalet, Copenhagen University Hospital
Classification: Likely benign. Last evaluated: 2025-03-04. Review status: criteria provided, single submitter. Criteria: ACMG Guidelines, 2015. Collection method: clinical testing. Allele origin: germline.

Color Diagnostics, LLC DBA Color Health
Classification: Uncertain significance for Hereditary cancer-predisposing syndrome. Last evaluated: 2025-02-18. Review status: criteria provided, single submitter. Criteria: ACMG Guidelines, 2015. Collection method: clinical testing. Allele origin: germline.
Comment: This variant causes a T to C nucleotide substitution at the +6 position of intron 8 of the MSH6 gene. Splice site prediction tools suggest that this variant may not impact RNA splicing. To our knowledge, functional studies have not been reported for this variant. This variant has not been reported in individuals affected with MSH6-related disorders in the literature. This variant has been identified in 6/1614012 chromosomes in the general population by the Genome Aggregation Database (gnomAD). The available evidence is insufficient to determine the role of this variant in disease conclusively. Therefore, this variant is classified as a Variant of Uncertain Significance.

All of Us Research Program, National Institutes of Health
Classification: Uncertain significance for Lynch syndrome. Last evaluated: 2023-12-18. Review status: criteria provided, single submitter. Criteria: ACMG Guidelines, 2015. Collection method: clinical testing. Allele origin: germline. Inheritance: Autosomal dominant inheritance. Observed: 1 variant allele, 1 heterozygote.
Comment: This variant causes a T to C nucleotide substitution at the +6 position of intron 8 of the MSH6 gene. Splice site prediction tools suggest that this variant may not impact RNA splicing. To our knowledge, functional studies have not been reported for this variant. This variant has not been reported in individuals affected with MSH6-related disorders in the literature. This variant has been identified in 2/282568 chromosomes in the general population by the Genome Aggregation Database (gnomAD). The available evidence is insufficient to determine the role of this variant in disease conclusively. Therefore, this variant is classified as a Variant of Uncertain Significance.

This study involves interpretation of variants in research participants for the purpose of population health screening. Participant phenotype was not available at the time of variant classification. Additional details can be found in publication PMID: 35346344, PMCID: PMC8962531

GeneDx
Classification: Benign. Last evaluated: 2015-05-13. Review status: criteria provided, single submitter. Criteria: GeneDx Variant Classification Process June 2021. Collection method: clinical testing. Allele origin: germline. Affected: yes.

Dr. Peter K. Rogan Lab, Western University
No classification provided (evidence only). Condition: Sarcoma. Review status: no classification provided. Collection method: in vitro. Allele origin: not applicable. Functional consequence: retained intron. Not counted in ClinVar's aggregate classification.